The following is an entry in ClinVar:

NM_014314.4(RIGI):c.1095C>G (p.Ile365Met)

Gene: RIGI (RNA sensor RIG-I; minus strand). Cytogenetic location: 9p21.1.
Variant type: single nucleotide variant.
Coding change: c.1095C>G on transcript NM_014314.4 (MANE Select); coding-DNA position 1095, C replaced by G.
Protein change: p.Ile365Met; replaces isoleucine 365 with methionine.
Molecular consequence: missense variant.
Genome position (GRCh38, 1-based): chr9:32,488,062, G>C on the plus strand (C>G on the coding strand, the complement: RIGI is on the minus strand). VCF-style: chr9-32488062-G-C. GRCh37 (hg19) VCF-style: chr9-32488060-G-C.
Other names: c.1089C>G, p.Ile363Met (NM_001385907.1); c.1095C>G, p.Ile365Met (NM_001385909.1); c.654C>G, p.Ile218Met (NM_001385910.1); c.486C>G, p.Ile162Met (NM_001385912.1); c.1080C>G, p.Ile360Met (NM_001385913.1); c.651C>G, p.Ile217Met (NM_001385914.1); short protein forms I365M, I162M, I363M, I217M, I218M, I360M.
Identifiers: ClinVar variation 4763289 (VCV004763289.1).

ClinVar aggregate classification (germline): Uncertain significance (1 of 4 stars; one submission).

gnomAD v4.1: 12 of 1,613,996 alleles (0.00074%); highest among the groups gnomAD compares: Non-Finnish European, 0.001%; no homozygotes.

Submission:

Labcorp Genetics (formerly Invitae), Labcorp
Classification: Uncertain significance. Last evaluated: 2025-08-14. Review status: criteria provided, single submitter. Criteria: Invitae Variant Classification Sherloc (09022015). Collection method: clinical testing. Allele origin: germline.
Comment: This sequence change replaces isoleucine, which is neutral and non-polar, with methionine, which is neutral and non-polar, at codon 365 of the DDX58 protein (p.Ile365Met). This variant is not present in population databases (gnomAD no frequency). This variant has not been reported in the literature in individuals affected with DDX58-related conditions. Invitae Evidence Modeling of protein sequence and biophysical properties (such as structural, functional, and spatial information, amino acid conservation, physicochemical variation, residue mobility, and thermodynamic stability) indicates that this missense variant is not expected to disrupt DDX58 protein function with a negative predictive value of 80%. In summary, the available evidence is currently insufficient to determine the role of this variant in disease. Therefore, it has been classified as a Variant of Uncertain Significance.